The following is an entry in ClinVar:

NM_015999.6(ADIPOR1):c.272G>A (p.Arg91His)

Gene: ADIPOR1 (adiponectin receptor 1; minus strand). Cytogenetic location: 1q32.1.
Variant type: single nucleotide variant.
Coding change: c.272G>A on transcript NM_015999.6 (MANE Select); coding-DNA position 272, G replaced by A.
Protein change: p.Arg91His; replaces arginine 91 with histidine.
Molecular consequence: missense variant.
Genome position (GRCh38, 1-based): chr1:202,946,597, C>T on the plus strand (G>A on the coding strand, the complement: ADIPOR1 is on the minus strand). VCF-style: chr1-202946597-C-T. GRCh37 (hg19) VCF-style: chr1-202915725-C-T.
Other names: c.272G>A, p.Arg91His (NM_001290553.2, NM_001290557.1, NM_001290629.1); short protein forms R91H.
Identifiers: ClinVar variation 1372433 (VCV001372433.8), dbSNP rs200676846, ClinGen allele CA35606974.

ClinVar aggregate classification (germline): Uncertain significance (1 of 4 stars; one submission).

Allele frequency attached by ClinVar (database versions not stated): gnomAD exomes below 0.00001 and 0.00001.
gnomAD v4.1: 22 of 1,614,048 alleles (0.0014%); highest among the groups gnomAD compares: Non-Finnish European, 0.0017%; no homozygotes.

Submission:

Labcorp Genetics (formerly Invitae), Labcorp
Classification: Uncertain significance. Last evaluated: 2022-07-12. Review status: criteria provided, single submitter. Criteria: Invitae Variant Classification Sherloc (09022015). Collection method: clinical testing. Allele origin: germline.
Comment: This sequence change replaces arginine, which is basic and polar, with histidine, which is basic and polar, at codon 91 of the ADIPOR1 protein (p.Arg91His). This variant is present in population databases (rs200676846, gnomAD 0.003%). This variant has not been reported in the literature in individuals affected with ADIPOR1-related conditions. In summary, the available evidence is currently insufficient to determine the role of this variant in disease. Therefore, it has been classified as a Variant of Uncertain Significance. Algorithms developed to predict the effect of missense changes on protein structure and function (SIFT, PolyPhen-2, Align-GVGD) all suggest that this variant is likely to be tolerated. ClinVar contains an entry for this variant (Variation ID: 1372433).